The following is an entry in ClinVar:

NM_001347721.2(DYRK1A):c.1644+101A>G

Gene: DYRK1A (dual specificity tyrosine phosphorylation regulated kinase 1A; plus strand). Cytogenetic location: 21q22.13.
Variant type: single nucleotide variant.
Coding change: c.1644+101A>G on transcript NM_001347721.2 (MANE Select); 101 bases into the intron after coding-DNA position 1644, A replaced by G.
Molecular consequence: intron variant. On other transcripts: 3 prime UTR variant (1).
Genome position (GRCh38, 1-based): chr21:37,506,324, A>G. VCF-style: chr21-37506324-A-G. GRCh37 (hg19) VCF-style: chr21-38878627-A-G.
Other names: c.*17A>G (NM_101395.2); c.1671+101A>G (NM_001396.5); c.1644+101A>G (NM_001347722.2, NM_130436.2); c.1557+101A>G (NM_001347723.2); c.1546+735A>G (NM_130438.2).
Identifiers: ClinVar variation 387195 (VCV000387195.2), dbSNP rs188763724, ClinGen allele CA10024054.
Genomic context (GRCh38, chr21:37,506,324, plus strand): 5'-TTCTCAGGTGGAGCAGCACTGGATGCCAGGTGCCTTTAGAATGACCGTATCATTTACCCT[A>G]GAGGTTCATGACGTTCCTGTCTAAGGAAATGTAAGTATTTATCATAGAGAAGCACATTCT-3'

ClinVar aggregate classification (germline): Likely benign (1 of 4 stars; one submission).

Allele frequency attached by ClinVar (database versions not stated): gnomAD exomes 0.00017; ExAC 0.00026; 1000 Genomes Project 0.00040; 1000 Genomes Project 30x 0.00047; gnomAD 0.00057 and 0.00061; TOPMed 0.00060; ESP Exome Variant Server 0.00062.
gnomAD v4.1: 173 of 1,606,598 alleles (0.011%); highest among the groups gnomAD compares: African/African-American, 0.19%; no homozygotes.

Submission:

GeneDx
Classification: Likely benign. Last evaluated: 2016-06-28. Review status: criteria provided, single submitter. Criteria: GeneDx Variant Classification (06012015). Collection method: clinical testing. Allele origin: germline. Affected: yes.
Comment: This variant is considered likely benign or benign based on one or more of the following criteria: it is a conservative change, it occurs at a poorly conserved position in the protein, it is predicted to be benign by multiple in silico algorithms, and/or has population frequency not consistent with disease.